The following is an entry in ClinVar:

ClinVar aggregate classification (germline): Uncertain significance (1 of 4 stars; one submission).

gnomAD v4.1: 4 of 1,607,304 alleles (0.00025%); highest among the groups gnomAD compares: African/African-American, 0.0055%; no homozygotes.

Submission:

Labcorp Genetics (formerly Invitae), Labcorp
Classification: Uncertain significance. Last evaluated: 2025-02-25. Review status: criteria provided, single submitter. Criteria: Invitae Variant Classification Sherloc (09022015). Collection method: clinical testing. Allele origin: germline.
Comment: This sequence change replaces phenylalanine, which is neutral and non-polar, with leucine, which is neutral and non-polar, at codon 122 of the SERPING1 protein (p.Phe122Leu). This variant is not present in population databases (gnomAD no frequency). This variant has not been reported in the literature in individuals affected with SERPING1-related conditions. An algorithm developed to predict the effect of missense changes on protein structure and function outputs the following: PolyPhen-2: "Benign". The leucine amino acid residue is found in multiple mammalian species, which suggests that this missense change does not adversely affect protein function. In summary, the available evidence is currently insufficient to determine the role of this variant in disease. Therefore, it has been classified as a Variant of Uncertain Significance.

NM_000062.3(SERPING1):c.364T>C (p.Phe122Leu)

Gene: SERPING1 (serpin family G member 1; plus strand). Cytogenetic location: 11q12.1.
Variant type: single nucleotide variant.
Coding change: c.364T>C on transcript NM_000062.3 (MANE Select); coding-DNA position 364, T replaced by C.
Protein change: p.Phe122Leu; replaces phenylalanine 122 with leucine.
Molecular consequence: missense variant.
Genome position (GRCh38, 1-based): chr11:57,600,191, T>C. VCF-style: chr11-57600191-T-C. GRCh37 (hg19) VCF-style: chr11-57367664-T-C.
Other names: c.364T>C, p.Phe122Leu (NM_001032295.2); short protein forms F122L.
Identifiers: ClinVar variation 4751173 (VCV004751173.1).